The following is an entry in ClinVar:

NM_001163809.2(WDR81):c.5248G>C (p.Ala1750Pro)

Gene: WDR81 (WD repeat domain 81; plus strand). Cytogenetic location: 17p13.3.
Variant type: single nucleotide variant.
Coding change: c.5248G>C on transcript NM_001163809.2 (MANE Select); coding-DNA position 5248, G replaced by C.
Protein change: p.Ala1750Pro; replaces alanine 1750 with proline.
Molecular consequence: missense variant.
Genome position (GRCh38, 1-based): chr17:1,735,640, G>C. VCF-style: chr17-1735640-G-C. GRCh37 (hg19) VCF-style: chr17-1638934-G-C.
Other names: c.1639G>C, p.Ala547Pro (NM_001163673.2); c.1567G>C, p.Ala523Pro (NM_001163811.2); c.2095G>C, p.Ala699Pro (NM_152348.4); short protein forms A1750P, A547P, A523P, A699P.
Identifiers: ClinVar variation 1031893 (VCV001031893.3), dbSNP rs150784268, ClinGen allele CA397546787.

ClinVar aggregate classification (germline): Uncertain significance. Review status: criteria provided, multiple submitters, no conflicts (2 of 4 stars). 2 submissions from 2 submitters: Uncertain significance (2). Last evaluated 2023-07-11.

Conditions:
Inborn genetic diseases. Identifiers: MedGen C0950123, MeSH D030342.
Cerebellar ataxia, impaired intellectual development, and dysequilibrium syndrome 2. Also called: Cerebellar ataxia, intellectual disability, and dysequilibrium syndrome 2; CEREBELLAR ATAXIA, MENTAL RETARDATION, AND DYSEQUILIBRIUM SYNDROME 2; CEREBELLAR ATAXIA AND MENTAL RETARDATION WITH OR WITHOUT QUADRUPEDAL LOCOMOTION 2. Identifiers: Orphanet 1766, MedGen C2750234, MONDO:0012430, OMIM 610185.

Submissions (2):

Ambry Genetics
Classification: Uncertain significance for Inborn genetic diseases. Last evaluated: 2023-07-11. Review status: criteria provided, single submitter. Criteria: Ambry Variant Classification Scheme 2023. Collection method: clinical testing. Allele origin: germline.

Baylor Genetics
Classification: Uncertain significance for Cerebellar ataxia, impaired intellectual development, and dysequilibrium syndrome 2. Last evaluated: 2018-02-16. Review status: criteria provided, single submitter. Criteria: ACMG Guidelines, 2015. Collection method: clinical testing. Allele origin: maternal. Affected: yes.
Comment: This variant was determined to be of uncertain significance according to ACMG Guidelines, 2015 [PMID:25741868].